The following is an entry in ClinVar:

ClinVar aggregate classification (germline): Uncertain significance. Review status: criteria provided, multiple submitters, no conflicts (2 of 4 stars). 2 submissions from 2 submitters: Uncertain significance (2). Last evaluated 2024-03-04.

Conditions:
Hereditary nonpolyposis colorectal neoplasms. Identifiers: MedGen C0009405, MeSH D003123.
Hereditary cancer-predisposing syndrome. Also called: Neoplastic Syndromes, Hereditary; Hereditary Cancer Syndrome; Hereditary neoplastic syndrome; Tumor predisposition. Identifiers: Orphanet 140162, MedGen C0027672, MeSH D009386, MONDO:0015356.

Submissions (2):

Labcorp Genetics (formerly Invitae), Labcorp
Classification: Uncertain significance for Hereditary nonpolyposis colorectal neoplasms. Last evaluated: 2024-03-04. Review status: criteria provided, single submitter. Criteria: Invitae Variant Classification Sherloc (09022015). Collection method: clinical testing. Allele origin: germline.
Comment: This sequence change replaces proline, which is neutral and non-polar, with alanine, which is neutral and non-polar, at codon 376 of the PMS2 protein (p.Pro376Ala). This variant is not present in population databases (gnomAD no frequency). This variant has not been reported in the literature in individuals affected with PMS2-related conditions. ClinVar contains an entry for this variant (Variation ID: 2566073). Advanced modeling of protein sequence and biophysical properties (such as structural, functional, and spatial information, amino acid conservation, physicochemical variation, residue mobility, and thermodynamic stability) performed at Invitae indicates that this missense variant is not expected to disrupt PMS2 protein function with a negative predictive value of 80%. In summary, the available evidence is currently insufficient to determine the role of this variant in disease. Therefore, it has been classified as a Variant of Uncertain Significance.

Ambry Genetics
Classification: Uncertain significance for Hereditary cancer-predisposing syndrome. Last evaluated: 2023-04-19. Review status: criteria provided, single submitter. Criteria: Ambry Variant Classification Scheme 2023. Collection method: clinical testing. Allele origin: germline.
Comment: The p.P376A variant (also known as c.1126C>G), located in coding exon 10 of the PMS2 gene, results from a C to G substitution at nucleotide position 1126. The proline at codon 376 is replaced by alanine, an amino acid with highly similar properties. This amino acid position is conserved. In addition, the in silico prediction for this alteration is inconclusive. Since supporting evidence is limited at this time, the clinical significance of this alteration remains unclear.

NM_000535.7(PMS2):c.1126C>G (p.Pro376Ala)

Gene: PMS2 (PMS1 homolog 2, mismatch repair system component; minus strand). Cytogenetic location: 7p22.1.
Variant type: single nucleotide variant.
Coding change: c.1126C>G on transcript NM_000535.7 (MANE Select); coding-DNA position 1126, C replaced by G.
Protein change: p.Pro376Ala; replaces proline 376 with alanine.
Molecular consequence: missense variant. On other transcripts: non-coding transcript variant (1), intron variant (10).
Genome position (GRCh38, 1-based): chr7:5,989,818, G>C on the plus strand (C>G on the coding strand, the complement: PMS2 is on the minus strand). VCF-style: chr7-5989818-G-C. GRCh37 (hg19) VCF-style: chr7-6029449-G-C.
Other names: c.721C>G, p.Pro241Ala (NM_001018040.1, NM_001322003.2, NM_001322004.2 and 17 more transcripts); c.808C>G, p.Pro270Ala (NM_001322007.2, NM_001322008.2, NM_001406876.1 and 2 more transcripts); c.193C>G, p.Pro65Ala (NM_001322011.2, NM_001322012.2); c.553C>G, p.Pro185Ala (NM_001322013.2, NM_001406909.1); c.1126C>G, p.Pro376Ala (NM_001322014.2, NM_001406871.1, NM_001406872.1); c.817C>G, p.Pro273Ala (NM_001322015.2, NM_001406875.1, NM_001406877.1 and 5 more transcripts); c.1312C>G, p.Pro438Ala (NM_001406866.1); c.1150C>G, p.Pro384Ala (NM_001406868.1); and 13 more; short protein forms P205A, P254A, P270A, P310A, P384A, P438A, P185A, P241A.
Identifiers: ClinVar variation 2566073 (VCV002566073.5), dbSNP rs730881911, ClinGen allele CA366742752.
Genomic context (GRCh38, chr7:5,989,818, plus strand): 5'-CTAAAAGCTTTAGAAGCTGTTTGTACACTGTATTTTTCTTACCTTCAACATCCAGCAGTG[G>C]CTGCTGACTGACATTTAGCTTGTTGACATCACTATCAAACATTCCTATCAAAGAGGTCTT-3'
Protein context (NP_000526.2, residues 366-386): DVNKLNVSQQ[Pro376Ala]LLDVEGNLIK